The following is an entry in ClinVar:

ClinVar aggregate classification (germline): Uncertain significance (1 of 4 stars; one submission).

Allele frequency attached by ClinVar (database versions not stated): gnomAD exomes below 0.00001 and 0.00001; ExAC 0.00001; TOPMed 0.00001.
gnomAD v4.1: 9 of 1,611,720 alleles (0.00056%); highest among the groups gnomAD compares: Non-Finnish European, 0.00076%; no homozygotes.

Submission:

Labcorp Genetics (formerly Invitae), Labcorp
Classification: Uncertain significance. Last evaluated: 2021-05-30. Review status: criteria provided, single submitter. Criteria: Invitae Variant Classification Sherloc (09022015). Collection method: clinical testing. Allele origin: germline.
Comment: In summary, the available evidence is currently insufficient to determine the role of this variant in disease. Therefore, it has been classified as a Variant of Uncertain Significance. Algorithms developed to predict the effect of missense changes on protein structure and function (SIFT, PolyPhen-2, Align-GVGD) all suggest that this variant is likely to be tolerated, but these predictions have not been confirmed by published functional studies and their clinical significance is uncertain. This variant has not been reported in the literature in individuals with SORL1-related conditions. This variant is present in population databases (rs781458738, ExAC 0.001%). This sequence change replaces threonine with alanine at codon 1768 of the SORL1 protein (p.Thr1768Ala). The threonine residue is weakly conserved and there is a small physicochemical difference between threonine and alanine.

NM_003105.6(SORL1):c.5302A>G (p.Thr1768Ala)

Gene: SORL1 (sortilin related receptor 1; plus strand). Cytogenetic location: 11q24.1.
Variant type: single nucleotide variant.
Coding change: c.5302A>G on transcript NM_003105.6 (MANE Select); coding-DNA position 5302, A replaced by G.
Protein change: p.Thr1768Ala; replaces threonine 1768 with alanine.
Molecular consequence: missense variant.
Genome position (GRCh38, 1-based): chr11:121,611,138, A>G. VCF-style: chr11-121611138-A-G. GRCh37 (hg19) VCF-style: chr11-121481847-A-G.
Other names: short protein forms T1768A.
Identifiers: ClinVar variation 1357346 (VCV001357346.8), dbSNP rs781458738, ClinGen allele CA6329897.